The following is an entry in ClinVar:

NM_000368.5(TSC1):c.73G>T (p.Val25Leu)

Gene: TSC1 (TSC complex subunit 1; minus strand). Cytogenetic location: 9q34.13.
Variant type: single nucleotide variant.
Coding change: c.73G>T on transcript NM_000368.5 (MANE Select); coding-DNA position 73, G replaced by T.
Protein change: p.Val25Leu; replaces valine 25 with leucine.
Molecular consequence: missense variant. On other transcripts: 5 prime UTR variant (16), non-coding transcript variant (5), intron variant (2).
Genome position (GRCh38, 1-based): chr9:132,928,800, C>A on the plus strand (G>T on the coding strand, the complement: TSC1 is on the minus strand). VCF-style: chr9-132928800-C-A. GRCh37 (hg19) VCF-style: chr9-135804187-C-A.
Other names: c.73G>T, p.Val25Leu (NM_001162426.2, NM_001162427.2, NM_001406592.1 and 21 more transcripts); c.-187G>T (NM_001362177.2, NM_001406617.1, NM_001406619.1 and 3 more transcripts); c.-279G>T (NM_001406614.1); c.-416G>T (NM_001406615.1, NM_001406623.1); c.-383G>T (NM_001406616.1, NM_001406624.1); c.-805G>T (NM_001406626.1, NM_001406627.1, NM_001406628.1); c.-947G>T (NM_001406629.1); c.-1021G>T (NM_001406630.1); and 1 more; short protein forms V25L.
Identifiers: ClinVar variation 4709651 (VCV004709651.1).
Genomic context (GRCh38, chr9:132,928,800, plus strand): 5'-AGCTAAAAAGGATATTATTTTGCTAACCAGAATTGAGGTTCTCTTTAAAGACAGCTGTCA[C>A]GTCGTCCCGCACACCCAGCATGGGGGAGTCCAGCATGGCAAGAAGCTCCCCGACATTTGC-3'
Protein context (NP_000359.1, residues 15-35): DSPMLGVRDD[Val25Leu]TAVFKENLNS

ClinVar aggregate classification (germline): Uncertain significance (1 of 4 stars; one submission).

Conditions:
Tuberous sclerosis 1 (TSC1). Identifiers: Orphanet 805, MedGen C1854465, MONDO:0008612, OMIM 191100.

Submission:

Labcorp Genetics (formerly Invitae), Labcorp
Classification: Uncertain significance for Tuberous sclerosis 1. Last evaluated: 2026-01-24. Review status: criteria provided, single submitter. Criteria: Invitae Variant Classification Sherloc (09022015). Collection method: clinical testing. Allele origin: germline.
Comment: This sequence change replaces valine, which is neutral and non-polar, with leucine, which is neutral and non-polar, at codon 25 of the TSC1 protein (p.Val25Leu). This variant is not present in population databases (gnomAD no frequency). This variant has not been reported in the literature in individuals affected with TSC1-related conditions. Invitae Evidence Modeling of protein sequence and biophysical properties (such as structural, functional, and spatial information, amino acid conservation, physicochemical variation, residue mobility, and thermodynamic stability) indicates that this missense variant is not expected to disrupt TSC1 protein function with a negative predictive value of 95%. In summary, the available evidence is currently insufficient to determine the role of this variant in disease. Therefore, it has been classified as a Variant of Uncertain Significance.